The following is an entry in ClinVar:

ClinVar aggregate classification (germline): Uncertain significance (1 of 4 stars; one submission).

gnomAD v4.1: 1 of 1,497,648 alleles (0.000067%); highest among the groups gnomAD compares: Admixed American, 0.0023%; no homozygotes.

Submission:

GeneDx
Classification: Uncertain significance. Last evaluated: 2024-09-29. Review status: criteria provided, single submitter. Criteria: GeneDx Variant Classification Process June 2021. Collection method: clinical testing. Allele origin: germline. Affected: yes.
Comment: Not observed at significant frequency in large population cohorts (gnomAD); In silico analysis indicates that this missense variant does not alter protein structure/function; Has not been previously published as pathogenic or benign to our knowledge

NM_001377.3(DYNC2H1):c.8520A>T (p.Glu2840Asp)

Gene: DYNC2H1 (dynein cytoplasmic 2 heavy chain 1; plus strand). Cytogenetic location: 11q22.3.
Variant type: single nucleotide variant.
Coding change: c.8520A>T on transcript NM_001377.3 (MANE Select); coding-DNA position 8520, A replaced by T.
Protein change: p.Glu2840Asp; replaces glutamic acid 2840 with aspartic acid.
Molecular consequence: missense variant.
Genome position (GRCh38, 1-based): chr11:103,209,941, A>T. VCF-style: chr11-103209941-A-T. GRCh37 (hg19) VCF-style: chr11-103080670-A-T.
Other names: c.8520A>T, p.Glu2840Asp (NM_001080463.2); short protein forms E2840D.
Identifiers: ClinVar variation 3774991 (VCV003774991.1).
Genomic context (GRCh38, chr11:103,209,941, plus strand): 5'-TGAAATGTTATTCAGTGAAACAGGTGGTGGAGAAAAATACAATGATAAAAAACGAAAAGA[A>T]GAAAAGAAAAAAAATTCAGGTAGTATTTTGATAAAATCAGTTTGATCTGGTTTTTATTTA-3'
Protein context (NP_001368.2, residues 2830-2850): GEKYNDKKRK[Glu2840Asp]EKKKNSVDPD